The following is an entry in ClinVar:

ClinVar aggregate classification (germline): Uncertain significance (1 of 4 stars; one submission).

Conditions:
Progressive sclerosing poliodystrophy (MTDPS4A). Also called: Mitochondrial DNA depletion syndrome 4A (Alpers type); ALPERS PROGRESSIVE INFANTILE POLIODYSTROPHY; NEURONAL DEGENERATION OF CHILDHOOD WITH LIVER DISEASE, PROGRESSIVE; Mitochondrial DNA Depletion Syndrome 4A; Alpers-Huttenlocher Syndrome (AHS); Alpers Syndrome. Identifiers: Orphanet 726, MedGen C0205710, MONDO:0008758, OMIM 203700.

Allele frequency attached by ClinVar (database versions not stated): ExAC 0.00001; gnomAD exomes 0.00001; TOPMed 0.00002.
gnomAD v4.1: 4 of 1,577,002 alleles (0.00025%); highest among the groups gnomAD compares: Admixed American, 0.0035%; no homozygotes.

Submission:

Labcorp Genetics (formerly Invitae), Labcorp
Classification: Uncertain significance for Progressive sclerosing poliodystrophy. Last evaluated: 2024-02-05. Review status: criteria provided, single submitter. Criteria: Invitae Variant Classification Sherloc (09022015). Collection method: clinical testing. Allele origin: germline.
Comment: This sequence change replaces glutamic acid, which is acidic and polar, with alanine, which is neutral and non-polar, at codon 181 of the POLG protein (p.Glu181Ala). This variant is present in population databases (rs761349383, gnomAD 0.003%). This variant has not been reported in the literature in individuals affected with POLG-related conditions. ClinVar contains an entry for this variant (Variation ID: 1396061). Advanced modeling of protein sequence and biophysical properties (such as structural, functional, and spatial information, amino acid conservation, physicochemical variation, residue mobility, and thermodynamic stability) performed at Invitae indicates that this missense variant is not expected to disrupt POLG protein function with a negative predictive value of 95%. In summary, the available evidence is currently insufficient to determine the role of this variant in disease. Therefore, it has been classified as a Variant of Uncertain Significance.

NM_002693.3(POLG):c.542A>C (p.Glu181Ala)

Genes: POLGARF (POLG alternative reading frame; minus strand), POLG (DNA polymerase gamma, catalytic subunit; minus strand). Cytogenetic location: 15q26.1.
Variant type: single nucleotide variant.
Coding change: c.542A>C on transcript NM_002693.3 (MANE Select); coding-DNA position 542, A replaced by C.
Protein change: p.Glu181Ala; replaces glutamic acid 181 with alanine.
Molecular consequence: missense variant.
Genome position (GRCh38, 1-based): chr15:89,333,213, T>G on the plus strand (A>C on the coding strand, the complement: POLG is on the minus strand). VCF-style: chr15-89333213-T-G. GRCh37 (hg19) VCF-style: chr15-89876444-T-G.
Other names: c.542A>C, p.Glu181Ala (NM_001126131.2); short protein forms E181A.
Identifiers: ClinVar variation 1396061 (VCV001396061.7), dbSNP rs761349383, ClinGen allele CA7725099.